The following is an entry in ClinVar:

NM_001358530.2(MOCS1):c.622G>A (p.Glu208Lys)

Gene: MOCS1 (molybdenum cofactor synthesis 1; minus strand). Cytogenetic location: 6p21.2.
Variant type: single nucleotide variant.
Coding change: c.622G>A on transcript NM_001358530.2 (MANE Select); coding-DNA position 622, G replaced by A.
Protein change: p.Glu208Lys; replaces glutamic acid 208 with lysine.
Molecular consequence: missense variant. On other transcripts: non-coding transcript variant (1).
Genome position (GRCh38, 1-based): chr6:39,913,797, C>T on the plus strand (G>A on the coding strand, the complement: MOCS1 is on the minus strand). VCF-style: chr6-39913797-C-T. GRCh37 (hg19) VCF-style: chr6-39881541-C-T.
Other names: c.622G>A, p.Glu208Lys (NM_001075098.4, NM_001358529.2, NM_005943.6); c.361G>A, p.Glu121Lys (NM_001358534.2, NM_001358531.2, NM_001358533.2); c.622G>A (NM_005943.5); short protein forms E208K, E121K.
Identifiers: ClinVar variation 2175604 (VCV002175604.3), dbSNP rs568343418, ClinGen allele CA137651906.

ClinVar aggregate classification (germline): Uncertain significance. Review status: criteria provided, multiple submitters, no conflicts (2 of 4 stars). 3 submissions from 3 submitters: Uncertain significance (3). Last evaluated 2024-02-12.

Conditions:
Sulfite oxidase deficiency due to molybdenum cofactor deficiency type A. Also called: Molybdenum cofactor deficiency, complementation group A; Molybdenum Cofactor Deficiency A. Identifiers: Orphanet 308386, Orphanet 833, MedGen C1854988, MONDO:0009643, OMIM 252150.

Allele frequency attached by ClinVar (database versions not stated): gnomAD exomes 0.00001; TOPMed 0.00001; gnomAD 0.00002; 1000 Genomes Project 30x 0.00016; 1000 Genomes Project 0.00020.

Submissions (3):

Fulgent Genetics
Classification: Uncertain significance for Sulfite oxidase deficiency due to molybdenum cofactor deficiency type A. Last evaluated: 2024-02-12. Review status: criteria provided, single submitter. Criteria: ACMG Guidelines, 2015. Collection method: clinical testing. Allele origin: germline.

Labcorp Genetics (formerly Invitae), Labcorp
Classification: Uncertain significance for Sulfite oxidase deficiency due to molybdenum cofactor deficiency type A. Last evaluated: 2022-07-14. Review status: criteria provided, single submitter. Criteria: Invitae Variant Classification Sherloc (09022015). Collection method: clinical testing. Allele origin: germline.
Comment: This sequence change replaces glutamic acid, which is acidic and polar, with lysine, which is basic and polar, at codon 208 of the MOCS1 protein (p.Glu208Lys). This variant is present in population databases (rs568343418, gnomAD 0.002%). This variant has not been reported in the literature in individuals affected with MOCS1-related conditions. Algorithms developed to predict the effect of missense changes on protein structure and function are either unavailable or do not agree on the potential impact of this missense change (SIFT: "Deleterious"; PolyPhen-2: "Benign"; Align-GVGD: "Class C0"). In summary, the available evidence is currently insufficient to determine the role of this variant in disease. Therefore, it has been classified as a Variant of Uncertain Significance.

Blueprint Genetics
Classification: Uncertain significance. Last evaluated: 2022-07-12. Review status: criteria provided, single submitter. Criteria: ACMG Guidelines, 2015. Collection method: clinical testing. Allele origin: germline.